The following is an entry in ClinVar:

NM_001370785.2(LRRC7):c.839T>C (p.Ile280Thr)

Gene: LRRC7 (leucine rich repeat containing 7; plus strand). Cytogenetic location: 1p31.1.
Variant type: single nucleotide variant.
Coding change: c.839T>C on transcript NM_001370785.2 (MANE Select); coding-DNA position 839, T replaced by C.
Protein change: p.Ile280Thr; replaces isoleucine 280 with threonine.
Molecular consequence: missense variant.
Genome position (GRCh38, 1-based): chr1:69,986,294, T>C. VCF-style: chr1-69986294-T-C. GRCh37 (hg19) VCF-style: chr1-70451977-T-C.
Other names: NM_020794.2:c.725T>C; c.740T>C, p.Ile247Thr (NM_001330635.3, NM_001366839.3, NM_001366841.1); c.842T>C, p.Ile281Thr (NM_001350216.3); c.839T>C, p.Ile280Thr (NM_001366838.3); short protein forms I247T, I280T, I281T.
Identifiers: ClinVar variation 3906683 (VCV003906683.1).
Genomic context (GRCh38, chr1:69,986,294, plus strand): 5'-TCATCAAGTCTATAGGGAAGTTAAAGATGTTGGTATACCTGGATATGTCAAAAAACAGAA[T>C]AGAAACAGTTGACATGGACATTTCTGGATGTGAAGCCCTTGAGGACCTCTTATTGTCATC-3'
Protein context (NP_001357714.1, residues 270-290): LVYLDMSKNR[Ile280Thr]ETVDMDISGC

ClinVar aggregate classification (germline): Uncertain significance (1 of 4 stars; one submission).

Submission:

GeneDx
Classification: Uncertain significance. Last evaluated: 2024-12-14. Review status: criteria provided, single submitter. Criteria: GeneDx Variant Classification Process June 2021. Collection method: clinical testing. Allele origin: germline. Affected: yes.
Comment: Not observed at significant frequency in large population cohorts (gnomAD); In silico analysis supports that this missense variant has a deleterious effect on protein structure/function; Has not been previously published as pathogenic or benign to our knowledge